The following is an entry in ClinVar:

NM_000018.4(ACADVL):c.1434+14T>C

Gene: ACADVL (acyl-CoA dehydrogenase very long chain; plus strand). Cytogenetic location: 17p13.1.
Variant type: single nucleotide variant.
Coding change: c.1434+14T>C on transcript NM_000018.4 (MANE Select); 14 bases into the intron after coding-DNA position 1434, T replaced by C.
Molecular consequence: intron variant.
Genome position (GRCh38, 1-based): chr17:7,224,083, T>C. VCF-style: chr17-7224083-T-C. GRCh37 (hg19) VCF-style: chr17-7127402-T-C.
Other names: c.1503+14T>C (NM_001270447.2); c.1206+14T>C (NM_001270448.2); c.1368+14T>C (NM_001033859.3).
Identifiers: ClinVar variation 508247 (VCV000508247.11), dbSNP rs202217537, ClinGen allele CA8338103.

ClinVar aggregate classification (germline): Conflicting classifications of pathogenicity. Review status: criteria provided, conflicting classifications (1 of 4 stars). 4 submissions from 4 submitters: Uncertain significance (3); Likely benign (1). Last evaluated 2026-01-22.

Conditions:
Very long chain acyl-CoA dehydrogenase deficiency (ACADVLD). Also called: Very Long-Chain Acyl-Coenzyme A Dehydrogenase Deficiency; VLCAD Deficiency. Identifiers: Orphanet 26793, MedGen C3887523, MONDO:0008723, OMIM 201475.

Allele frequency attached by ClinVar (database versions not stated): TOPMed 0.00002.
gnomAD v4.1: 114 of 1,613,696 alleles (0.0071%); highest among the groups gnomAD compares: Non-Finnish European, 0.0094%; no homozygotes.

Submissions (4):

Labcorp Genetics (formerly Invitae), Labcorp
Classification: Uncertain significance for Very long chain acyl-CoA dehydrogenase deficiency. Last evaluated: 2026-01-22. Review status: criteria provided, single submitter. Criteria: Invitae Variant Classification Sherloc (09022015). Collection method: clinical testing. Allele origin: germline.
Comment: This sequence change falls in intron 14 of the ACADVL gene. It does not directly change the encoded amino acid sequence of the ACADVL protein. The frequency data for this variant in the population databases is considered unreliable, as metrics indicate poor data quality at this position in the gnomAD database. This variant has not been reported in the literature in individuals affected with ACADVL-related conditions. ClinVar contains an entry for this variant (Variation ID: 508247). Algorithms developed to predict the effect of sequence changes on RNA splicing suggest that this variant is not likely to affect RNA splicing. In summary, the available evidence is currently insufficient to determine the role of this variant in disease. Therefore, it has been classified as a Variant of Uncertain Significance.

Fulgent Genetics
Classification: Uncertain significance for Very long chain acyl-CoA dehydrogenase deficiency. Last evaluated: 2024-02-13. Review status: criteria provided, single submitter. Criteria: ACMG Guidelines, 2015. Collection method: clinical testing. Allele origin: germline.

Wong Mito Lab, Molecular and Human Genetics, Baylor College of Medicine
Classification: Uncertain significance for Very long chain acyl-CoA dehydrogenase deficiency. Last evaluated: 2019-11-01. Review status: criteria provided, single submitter. Criteria: ACMG Guidelines, 2015. Collection method: clinical testing. Allele origin: germline.
Comment: The NM_000018.3:c.1434+14T>C (NP_000009.1:p.?) [GRCH38: NC_000017.11:g.7224083T>C] variant in ACADVL gene is interpretated to be Uncertain Significance based on ACMG guidelines (PMID: 25741868). This variant has been reported.This variant dose not meet any evidence codes reported in the ACMG guidelines.

GeneDx
Classification: Likely benign. Last evaluated: 2017-03-15. Review status: criteria provided, single submitter. Criteria: GeneDx Variant Classification (06012015). Collection method: clinical testing. Allele origin: germline. Affected: yes.
Comment: This variant is considered likely benign or benign based on one or more of the following criteria: it is a conservative change, it occurs at a poorly conserved position in the protein, it is predicted to be benign by multiple in silico algorithms, and/or has population frequency not consistent with disease.